The following is an entry in ClinVar:

NM_001164508.2(NEB):c.1569+1G>A

Gene: NEB (nebulin; minus strand). Cytogenetic location: 2q23.3.
Variant type: single nucleotide variant.
Coding change: c.1569+1G>A on transcript NM_001164508.2 (MANE Select); the canonical splice donor site of the intron after coding-DNA position 1569, G replaced by A.
Molecular consequence: splice donor variant.
Genome position (GRCh38, 1-based): chr2:151,696,636, C>T on the plus strand (G>A on the coding strand, the complement: NEB is on the minus strand). VCF-style: chr2-151696636-C-T. GRCh37 (hg19) VCF-style: chr2-152553150-C-T.
Other names: c.1569+1G>A (NM_004543.5, NM_001164507.2, NM_001271208.2).
Identifiers: ClinVar variation 552029 (VCV000552029.17), dbSNP rs1553605553, ClinGen allele CA348825059.

ClinVar aggregate classification (germline): Pathogenic/Likely pathogenic. Review status: criteria provided, multiple submitters, no conflicts (2 of 4 stars). 7 submissions from 7 submitters: Pathogenic (2); Likely pathogenic (5). Last evaluated 2025-09-05.

Conditions:
Arthrogryposis multiplex congenita 6. Identifiers: MedGen C5543431, MONDO:0030281, OMIM 619334.
Nemaline myopathy. Also called: Myopathies, Nemaline. Identifiers: Orphanet 607, MedGen C0206157, MONDO:0018958.
Nemaline myopathy 2 (NEM2). Also called: Nemaline myopathy 2, autosomal recessive. Identifiers: MedGen C1850569, MONDO:0009725, OMIM 256030.

Allele frequency attached by ClinVar (database versions not stated): gnomAD exomes 0.00001.
gnomAD v4.1: 14 of 1,609,402 alleles (0.00087%); highest among the groups gnomAD compares: Middle Eastern, 0.017%; no homozygotes.

Submissions (7):

Labcorp Genetics (formerly Invitae), Labcorp
Classification: Likely pathogenic for Nemaline myopathy 2. Last evaluated: 2025-09-05. Review status: criteria provided, single submitter. Criteria: Invitae Variant Classification Sherloc (09022015). Collection method: clinical testing. Allele origin: germline.
Comment: This sequence change affects a donor splice site in intron 17 of the NEB gene. It is expected to disrupt RNA splicing. Variants that disrupt the donor or acceptor splice site typically lead to a loss of protein function (PMID: 16199547), and loss-of-function variants in NEB are known to be pathogenic (PMID: 25205138). This variant is not present in population databases (gnomAD no frequency). Disruption of this splice site has been observed in individual(s) with nemaline myopathy (PMID: 24725366). ClinVar contains an entry for this variant (Variation ID: 552029). Algorithms developed to predict the effect of sequence changes on RNA splicing suggest that this variant may disrupt the consensus splice site. In summary, the currently available evidence indicates that the variant is pathogenic, but additional data are needed to prove that conclusively. Therefore, this variant has been classified as Likely Pathogenic.

Natera, Inc.
Classification: Likely pathogenic for Nemaline myopathy type 2. Last evaluated: 2025-08-04. Review status: criteria provided, single submitter. Criteria: Natera Variant Classification Schema (03/2026). Collection method: clinical testing. Allele origin: germline.
Comment: The c.1569+1G>A variant in NEB is a canonical splice donor site variant predicted to affect pre-mRNA splicing, which may result in an abnormal transcript and altered protein product. This variant may result in a truncated or dysfunctional protein product. This variant is rare in the general population with a frequency below the threshold expected for the associated phenotype(s). This variant has been observed in one or more individuals affected with the associated recessive disease, as either homozygous or compound heterozygous with a second variant (PMID: 38968056, 24725366). Given the available evidence, this variant is classified as Likely Pathogenic.

Myriad Genetics, Inc.
Classification: Likely pathogenic for Nemaline myopathy 2. Last evaluated: 2025-06-12. Review status: criteria provided, single submitter. Criteria: Myriad Autosomal Dominant, Autosomal Recessive and X-Linked Classification Criteria (2023). Collection method: clinical testing. Allele origin: unknown.
Comment: NM_001271208.1(NEB):c.1569+1G>A is a variant in a canonical splice site classified as likely pathogenic in the context of NEB-related nemaline myopathy. c.1569+1G>A has been observed in cases with relevant disease (PMID: 24725366, 38968056). Relevant functional assessments of this variant are not available in the literature. c.1569+1G>A has not been observed in referenced population frequency databases. In summary, NM_001271208.1(NEB):c.1569+1G>A is a variant in a canonical splice site that has been observed more frequently in cases with the relevant disease than in healthy populations. Please note: this variant was assessed in the context of healthy population screening.

Broad Center for Mendelian Genomics, Broad Institute of MIT and Harvard
Classification: Likely pathogenic for Nemaline myopathy. Last evaluated: 2025-03-21. Review status: criteria provided, single submitter. Criteria: ACMG Guidelines, 2015. Collection method: curation. Allele origin: germline. Inheritance: Autosomal recessive inheritance.
Comment: The c.1569+1G>A variant in NEB has been reported, in the compound heterozygous state, in one individual with nemaline myopathy (PMID: 24725366), and has been identified in 0.001% (13/1175816) of European (non-Finnish) chromosomes by the Genome Aggregation Database (gnomAD; dbSNP ID: rs1553605553). Although this variant has been seen in the general population in a heterozygous state, its frequency is low enough to be consistent with a recessive carrier frequency. This variant has also been reported in ClinVar (Variation ID: 552029) and has been interpreted as pathogenic/likely pathogenic by Baylor Genetics, Revvity Omics, and Invitae, and a variant of uncertain significance by Myriad Genetics. This variant is located in the 5' splice region. Computational tools predict a splicing impact, though this information is not predictive enough to determine pathogenicity. This variant is adjacent to an an in-frame exon and may escape nonsense mediated decay (NMD) and result in a truncated protein. In-frame exon skipping of the NEB gene is an established disease mechanism in autosomal recessive nemaline myopathy. The phenotype of an individual heterozygous for this variant is highly specific for nemaline myopathy based on the presence of nemaline rods on a muscle biopsy consistent with disease (PMID: 24725366). In summary, although additional studies are required to fully establish its clinical significance, this variant is likely pathogenic for autosomal recessive nemaline myopathy. ACMG/AMP Criteria applied: PVS1_strong, PM3, PP4, PM2_supporting (Richards 2015).

Kariminejad - Najmabadi Pathology & Genetics Center
Classification: Likely pathogenic for Nemaline myopathy 2. Last evaluated: 2024-07-01. Review status: criteria provided, single submitter. Criteria: ACMG Guidelines, 2015. Collection method: clinical testing. Allele origin: germline. Inheritance: Autosomal recessive inheritance. Affected: yes.
Comment: PVS1(Strong),PM2,PP5

Baylor Genetics
Classification: Pathogenic for Arthrogryposis multiplex congenita 6. Last evaluated: 2023-08-14. Review status: criteria provided, single submitter. Criteria: ACMG Guidelines, 2015. Collection method: clinical testing. Allele origin: unknown.

Revvity Omics, Revvity
Classification: Pathogenic. Last evaluated: 2019-09-18. Review status: criteria provided, single submitter. Criteria: ACMG Guidelines, 2015. Collection method: clinical testing. Allele origin: germline.

Literature cited by the submitters: PubMed 16199547 (cited by Labcorp Genetics (formerly Invitae), Labcorp); PubMed 25205138 (cited by Labcorp Genetics (formerly Invitae), Labcorp); PubMed 24725366 (cited by 3 submitters); PubMed 38968056 (cited by Natera, Inc. and Myriad Genetics, Inc.).